The following is an entry in ClinVar:

ClinVar aggregate classification (germline): Conflicting classifications of pathogenicity. Review status: criteria provided, conflicting classifications (1 of 4 stars). 4 submissions from 4 submitters: Uncertain significance (3); Likely benign (1). Last evaluated 2023-07-11.

Conditions:
Inborn genetic diseases. Identifiers: MedGen C0950123, MeSH D030342.
Joubert syndrome. Also called: Familial aplasia of the vermis; JOUBERT-BOLTSHAUSER SYNDROME. Identifiers: Orphanet 475, MedGen C5979921, MONDO:0018772.
Meckel-Gruber syndrome. Also called: DYSENCEPHALIA SPLANCHNOCYSTICA; Dysencephalia splachnocystica; GRUBER SYNDROME. Identifiers: Orphanet 564, MedGen C0265215, MONDO:0018921.

Allele frequency attached by ClinVar (database versions not stated): TOPMed 0.00002; gnomAD 0.00003 and 0.00004; gnomAD exomes 0.00003 and 0.00005; ExAC 0.00006; 1000 Genomes Project 30x 0.00016; 1000 Genomes Project 0.00020.
gnomAD v4.1: 54 of 1,614,190 alleles (0.0033%); highest among the groups gnomAD compares: East Asian, 0.087%; no homozygotes.

Submissions (4):

Blueprint Genetics
Classification: Likely benign. Last evaluated: 2023-07-11. Review status: criteria provided, single submitter. Criteria: ACMG Guidelines, 2015. Collection method: clinical testing. Allele origin: germline.

Ambry Genetics
Classification: Uncertain significance for Inborn genetic diseases. Last evaluated: 2023-03-28. Review status: criteria provided, single submitter. Criteria: Ambry Variant Classification Scheme 2023. Collection method: clinical testing. Allele origin: germline.

Genetic Services Laboratory, University of Chicago
Classification: Uncertain significance. Last evaluated: 2023-03-24. Review status: criteria provided, single submitter. Criteria: ACMG Guidelines, 2015. Collection method: clinical testing. Allele origin: germline. Affected: no.
Comment: DNA sequence analysis of the B9D1 gene demonstrated a sequence change, c.603C>A, in exon 7 that results in an amino acid change, p.Ser201Arg. This sequence change has been described in the gnomAD database with a frequency of 0.06% in the East Asian subpopulation (dbSNP rs547869203). The p.Ser201Arg change affects a poorly conserved amino acid residue located in a domain of the B9D1 protein that is not known to be functional. The p.Ser201Arg substitution appears to be benign using several in-silico pathogenicity prediction tools (SIFT, PolyPhen2, Align GVGD, REVEL). This sequence change does not appear to have been previously described in individuals with B9D1-related disorders. Due to insufficient evidences and the lack of functional studies, the clinical significance of the p.Ser201Arg change remains unknown at this time.

Labcorp Genetics (formerly Invitae), Labcorp
Classification: Uncertain significance for Joubert syndrome; Meckel-Gruber syndrome. Last evaluated: 2021-03-26. Review status: criteria provided, single submitter. Criteria: Invitae Variant Classification Sherloc (09022015). Collection method: clinical testing. Allele origin: germline.
Comment: This variant has not been reported in the literature in individuals with B9D1-related conditions. This sequence change replaces serine with arginine at codon 201 of the B9D1 protein (p.Ser201Arg). The serine residue is weakly conserved and there is a moderate physicochemical difference between serine and arginine. This variant is present in population databases (rs547869203, ExAC 0.07%). Algorithms developed to predict the effect of missense changes on protein structure and function (SIFT, PolyPhen-2, Align-GVGD) all suggest that this variant is likely to be tolerated, but these predictions have not been confirmed by published functional studies and their clinical significance is uncertain. In summary, the available evidence is currently insufficient to determine the role of this variant in disease. Therefore, it has been classified as a Variant of Uncertain Significance.

NM_015681.6(B9D1):c.603C>A (p.Ser201Arg)

Gene: B9D1 (B9 domain containing 1; minus strand). Cytogenetic location: 17p11.2.
Variant type: single nucleotide variant.
Coding change: c.603C>A on transcript NM_015681.6 (MANE Select); coding-DNA position 603, C replaced by A.
Protein change: p.Ser201Arg; replaces serine 201 with arginine.
Molecular consequence: missense variant. On other transcripts: intron variant (4), 3 prime UTR variant (2).
Genome position (GRCh38, 1-based): chr17:19,343,331, G>T on the plus strand (C>A on the coding strand, the complement: B9D1 is on the minus strand). VCF-style: chr17-19343331-G-T. GRCh37 (hg19) VCF-style: chr17-19246644-G-T.
Other names: c.472+459C>A (NM_001321218.2, NM_001321217.2); c.603C>A (NM_015681.3, NM_015681.5); c.*128C>A (NM_001321214.2); c.*379C>A (NM_001321215.3); c.112+459C>A (NM_001368769.2); c.404+3938C>A (NM_001321219.2); short protein forms S201R.
Identifiers: ClinVar variation 1378585 (VCV001378585.12), dbSNP rs547869203, ClinGen allele CA8440060.